The following is an entry in ClinVar:

ClinVar aggregate classification (germline): Likely pathogenic (1 of 4 stars; one submission).

Conditions:
Werner syndrome (WRN). Identifiers: Orphanet 902, MedGen C0043119, MONDO:0010196, OMIM 277700.

Submission:

Labcorp Genetics (formerly Invitae), Labcorp
Classification: Likely pathogenic for Werner syndrome. Last evaluated: 2021-05-13. Review status: criteria provided, single submitter. Criteria: Invitae Variant Classification Sherloc (09022015). Collection method: clinical testing. Allele origin: germline.
Comment: This sequence change affects an acceptor splice site in intron 8 of the WRN gene. It is expected to disrupt RNA splicing. Variants that disrupt the donor or acceptor splice site typically lead to a loss of protein function (PMID: 16199547), and loss-of-function variants in WRN are known to be pathogenic (PMID: 16673358). This variant is not present in population databases (ExAC no frequency). This variant has not been reported in the literature in individuals with WRN-related conditions. Algorithms developed to predict the effect of sequence changes on RNA splicing suggest that this variant may disrupt the consensus splice site, but this prediction has not been confirmed by published transcriptional studies. In summary, the currently available evidence indicates that the variant is pathogenic, but additional data are needed to prove that conclusively. Therefore, this variant has been classified as Likely Pathogenic.

Literature cited by the submitters: PubMed 16199547; PubMed 16673358.

NM_000553.6(WRN):c.840-1G>C

Gene: WRN (WRN RecQ like helicase; plus strand). Cytogenetic location: 8p12.
Variant type: single nucleotide variant.
Coding change: c.840-1G>C on transcript NM_000553.6 (MANE Select); the canonical splice acceptor site of the intron before coding-DNA position 840, G replaced by C.
Molecular consequence: splice acceptor variant.
Genome position (GRCh38, 1-based): chr8:31,080,866, G>C. VCF-style: chr8-31080866-G-C. GRCh37 (hg19) VCF-style: chr8-30938382-G-C.
Identifiers: ClinVar variation 1492702 (VCV001492702.8), dbSNP rs1395775047, ClinGen allele CA370919577.